The following is an entry in ClinVar:

NM_003601.4(SMARCA5):c.1184G>A (p.Arg395Gln)

Gene: SMARCA5 (SNF2 related chromatin remodeling ATPase 5; plus strand). Cytogenetic location: 4q31.21.
Variant type: single nucleotide variant.
Coding change: c.1184G>A on transcript NM_003601.4 (MANE Select); coding-DNA position 1184, G replaced by A.
Protein change: p.Arg395Gln; replaces arginine 395 with glutamine.
Molecular consequence: missense variant.
Genome position (GRCh38, 1-based): chr4:143,534,880, G>A. VCF-style: chr4-143534880-G-A. GRCh37 (hg19) VCF-style: chr4-144456033-G-A.
Other names: short protein forms R395Q.
Identifiers: ClinVar variation 3774730 (VCV003774730.1).

ClinVar aggregate classification (germline): Uncertain significance (1 of 4 stars; one submission).

Submission:

GeneDx
Classification: Uncertain significance. Last evaluated: 2024-09-25. Review status: criteria provided, single submitter. Criteria: GeneDx Variant Classification Process June 2021. Collection method: clinical testing. Allele origin: germline. Affected: yes.
Comment: Not observed at significant frequency in large population cohorts (gnomAD); In silico analysis supports that this missense variant has a deleterious effect on protein structure/function; Has not been previously published as pathogenic or benign to our knowledge